The following is an entry in ClinVar:

NM_004341.5(CAD):c.1162T>C (p.Ser388Pro)

Gene: CAD (carbamoyl-phosphate synthetase 2, aspartate transcarbamylase, and dihydroorotase; plus strand). Cytogenetic location: 2p23.3.
Variant type: single nucleotide variant.
Coding change: c.1162T>C on transcript NM_004341.5 (MANE Select); coding-DNA position 1162, T replaced by C.
Protein change: p.Ser388Pro; replaces serine 388 with proline.
Molecular consequence: missense variant.
Genome position (GRCh38, 1-based): chr2:27,224,398, T>C. VCF-style: chr2-27224398-T-C. GRCh37 (hg19) VCF-style: chr2-27447266-T-C.
Other names: c.1162T>C, p.Ser388Pro (NM_001306079.2); short protein forms S388P.
Identifiers: ClinVar variation 1718390 (VCV001718390.5), dbSNP rs771639772, ClinGen allele CA1572637.
Genomic context (GRCh38, chr2:27,224,398, plus strand): 5'-TCCACAGTTAGAGAGCGGCTGACTGAGCGCCTCTGTCCCCCTGGGATTCCCACTCCCGGC[T>C]CTGGACTTCCACCACCACGAAAGGTTCTGATCCTGGGCTCAGGGGGCCTCTCCATTGGCC-3'
Protein context (NP_004332.2, residues 378-398): LCPPGIPTPG[Ser388Pro]GLPPPRKVLI

ClinVar aggregate classification (germline): Uncertain significance (1 of 4 stars; one submission).

Allele frequency attached by ClinVar (database versions not stated): gnomAD exomes below 0.00001; ExAC 0.00001.
gnomAD v4.1: 3 of 1,614,204 alleles (0.00019%); highest among the groups gnomAD compares: South Asian, 0.0033%; no homozygotes.

Submission:

Labcorp Genetics (formerly Invitae), Labcorp
Classification: Uncertain significance. Last evaluated: 2022-08-30. Review status: criteria provided, single submitter. Criteria: Invitae Variant Classification Sherloc (09022015). Collection method: clinical testing. Allele origin: germline.
Comment: This sequence change replaces serine, which is neutral and polar, with proline, which is neutral and non-polar, at codon 388 of the CAD protein (p.Ser388Pro). This variant is present in population databases (rs771639772, gnomAD 0.01%). This variant has not been reported in the literature in individuals affected with CAD-related conditions. Algorithms developed to predict the effect of missense changes on protein structure and function (SIFT, PolyPhen-2, Align-GVGD) all suggest that this variant is likely to be tolerated. In summary, the available evidence is currently insufficient to determine the role of this variant in disease. Therefore, it has been classified as a Variant of Uncertain Significance.